The following is an entry in ClinVar:

NM_001371596.2(MFSD8):c.616C>T (p.Gln206Ter)

Gene: MFSD8 (major facilitator superfamily domain containing 8; minus strand). Cytogenetic location: 4q28.2.
Variant type: single nucleotide variant.
Coding change: c.616C>T on transcript NM_001371596.2 (MANE Select); coding-DNA position 616, C replaced by T.
Protein change: p.Gln206Ter; replaces glutamine 206 with a stop codon.
Molecular consequence: nonsense. On other transcripts: intron variant (5).
Genome position (GRCh38, 1-based): chr4:127,939,935, G>A on the plus strand (C>T on the coding strand, the complement: MFSD8 is on the minus strand). VCF-style: chr4-127939935-G-A. GRCh37 (hg19) VCF-style: chr4-128861090-G-A.
Other names: c.481C>T, p.Gln161Ter (NM_001371590.2); c.616C>T, p.Gln206Ter (NM_001371591.2, NM_152778.4); c.622C>T, p.Gln208Ter (NM_001371592.2); c.502C>T, p.Gln168Ter (NM_001371593.2, NM_001410766.1); c.419-1099C>T (NM_001371595.1); c.304+3817C>T (NM_001410765.1); c.439+3817C>T (NM_001363521.3); c.553+2110C>T (NM_001363520.3); and 1 more; short protein forms Q161*, Q168*, Q206*, Q208*.
Identifiers: ClinVar variation 977458 (VCV000977458.15), dbSNP rs1209722075, ClinGen allele CA358175474.

ClinVar aggregate classification (germline): Pathogenic/Likely pathogenic. Review status: criteria provided, multiple submitters, no conflicts (2 of 4 stars). 7 submissions from 7 submitters: Pathogenic (3); Likely pathogenic (1). 3 of the submissions do not count toward it. Last evaluated 2025-10-09.

Conditions:
Neuronal ceroid lipofuscinosis 7 (CLN7). Also called: MFSD8-Related Neuronal Ceroid-Lipofuscinosis. Identifiers: Orphanet 168491, Orphanet 228366, MedGen C1838571, MONDO:0012588, OMIM 610951.

Allele frequency attached by ClinVar (database versions not stated): gnomAD exomes below 0.00001.
gnomAD v4.1: 1 of 1,613,446 alleles (0.000062%); highest among the groups gnomAD compares: Admixed American, 0.0017%; no homozygotes.

Submissions (7):

3billion
Classification: Pathogenic for Neuronal ceroid lipofuscinosis 7. Last evaluated: 2025-10-09. Review status: criteria provided, single submitter. Criteria: ACMG Guidelines, 2015. Collection method: clinical testing. Allele origin: germline. Affected: yes.
Comment: The variant is observed at an extremely low frequency in the gnomAD v4.1.0 dataset (total allele frequency: <0.001%). Predicted Consequence/Location: Stop-gained (nonsense): predicted to result in a loss or disruption of normal protein function through nonsense-mediated decay (NMD) or protein truncation. Multiple pathogenic variants are reported downstream of the variant. The variant has been reported at least twice as pathogenic with clinical assertions and evidence for the classification (ClinVar ID: VCV000977458 /PMID: 27848944). Therefore, this variant is classified as Pathogenic according to the recommendation of ACMG/AMP guideline.

Palindrome, Gene Kavoshgaran Aria
Classification: Pathogenic for Neuronal ceroid lipofuscinosis 7. Last evaluated: 2025-02-16. Review status: criteria provided, single submitter. Criteria: ACMG Guidelines, 2015. Collection method: clinical testing. Allele origin: germline. Inheritance: Autosomal recessive inheritance. Affected: yes. Observed: 1 homozygote.

Labcorp Genetics (formerly Invitae), Labcorp
Classification: Pathogenic for Neuronal ceroid lipofuscinosis 7. Last evaluated: 2022-08-21. Review status: criteria provided, single submitter. Criteria: Invitae Variant Classification Sherloc (09022015). Collection method: clinical testing. Allele origin: germline.
Comment: For these reasons, this variant has been classified as Pathogenic. Algorithms developed to predict the effect of sequence changes on RNA splicing suggest that this variant may disrupt the consensus splice site. ClinVar contains an entry for this variant (Variation ID: 977458). This premature translational stop signal has been observed in individual(s) with clinical features of MFSD8-related conditions (PMID: 27848944). This variant is present in population databases (no rsID available, gnomAD 0.003%). This sequence change creates a premature translational stop signal (p.Gln206*) in the MFSD8 gene. It is expected to result in an absent or disrupted protein product. Loss-of-function variants in MFSD8 are known to be pathogenic (PMID: 19177532, 25227500, 28586915).

Kariminejad - Najmabadi Pathology & Genetics Center
Classification: Likely pathogenic for Neuronal ceroid lipofuscinosis 7. Review status: criteria provided, single submitter. Criteria: ACMG Guidelines, 2015. Collection method: clinical testing. Allele origin: germline. Affected: no.

Dr.Nikuei Genetic Center
Classification: Pathogenic for Neuronal ceroid lipofuscinosis 7. Review status: no assertion criteria provided. Collection method: clinical testing. Allele origin: germline. Inheritance: Autosomal recessive inheritance. Affected: yes. Observed: 1 homozygote. Not counted in ClinVar's aggregate classification.

Hong-Tao Li Lab, Institute of Brain Science and Brain-inspired Research, Shandong First Medical University & Shandong Academy of Medical Sciences China
Classification: Pathogenic for Neuronal ceroid lipofuscinosis 7. Review status: no assertion criteria provided. Collection method: research. Allele origin: germline. Inheritance: Autosomal recessive inheritance. Affected: yes. Observed: 1 variant allele, 1 homozygote. Not counted in ClinVar's aggregate classification.
Comment: Observed in affected individuals from a Pakistani neurodevelopmental-disorder research cohort of 263 individuals. Classification assigned using the ACMG/AMP framework. Population-frequency evidence: gnomAD AF 3.98e-06.

Myelin Disorders Clinic-Children's Medical Center/Medical Genetics Lab-Tarbiat Modares University, Children's Medical Center, Pediatrics Center of Excellence,
Classification: Uncertain significance for Neuronal ceroid lipofuscinosis 7. Review status: no assertion criteria provided. Collection method: clinical testing. Allele origin: inherited. Inheritance: Autosomal recessive inheritance. Affected: yes. Not counted in ClinVar's aggregate classification.

Literature cited by the submitters: PubMed 27848944 (cited by 3billion and Labcorp Genetics (formerly Invitae), Labcorp); PubMed 19177532 (cited by Labcorp Genetics (formerly Invitae), Labcorp); PubMed 25227500 (cited by Labcorp Genetics (formerly Invitae), Labcorp); PubMed 28586915 (cited by Labcorp Genetics (formerly Invitae), Labcorp).